The following is an entry in ClinVar:

NM_001165963.4(SCN1A):c.4688_4692del (p.Asp1563fs)

Genes: SCN1A (sodium voltage-gated channel alpha subunit 1; minus strand), LOC102724058 (uncharacterized LOC102724058; plus strand). Cytogenetic location: 2q24.3.
Variant type: Deletion.
Coding change: c.4688_4692del on transcript NM_001165963.4 (MANE Select); coding-DNA positions 4688 to 4692, 5 bases deleted (ATGAC; older notation c.4688_4692delATGAC).
Protein change: p.Asp1563fs; shifts the reading frame from aspartic acid 1563.
Molecular consequence: frameshift variant. On other transcripts: non-coding transcript variant (1).
Genome position (GRCh38, 1-based): chr2:165,994,306-165,994,310, GTCAT deleted on the plus strand (ATGAC on the coding strand, the reverse complement: SCN1A is on the minus strand). VCF-style (leftmost placement, unchanged base first): chr2-165994305-GGTCAT-G. GRCh37 (hg19) VCF-style: chr2-166850815-GGTCAT-G.
Other names: c.4604_4608del, p.Asp1535fs (NM_001165964.3, NM_001353957.2, NM_001353958.2); c.4688_4692del, p.Asp1563fs (NM_001202435.3, NM_001353948.2); c.4655_4659del, p.Asp1552fs (NM_001353949.2, NM_001353950.2, NM_001353951.2 and 2 more transcripts); c.4652_4656del, p.Asp1551fs (NM_001353954.2, NM_001353955.2); c.4601_4605del, p.Asp1534fs (NM_001353960.2); c.2246_2250del, p.Asp749fs (NM_001353961.2); short protein forms D1551fs, D1552fs, D1534fs, D1563fs, D749fs, D1535fs.
Identifiers: ClinVar variation 574499 (VCV000574499.9), dbSNP rs1559110846, ClinGen allele CA891842563.

ClinVar aggregate classification (germline): Pathogenic (1 of 4 stars; one submission).

Conditions:
Early-infantile DEE. Also called: Early infantile epileptic encephalopathy with suppression bursts; Early infantile epileptic encephalopathy; Ohtahara syndrome. Identifiers: Orphanet 1934, MedGen C0393706, MONDO:0800491.

Submission:

Labcorp Genetics (formerly Invitae), Labcorp
Classification: Pathogenic for Early-infantile DEE. Last evaluated: 2018-05-24. Review status: criteria provided, single submitter. Criteria: Invitae Variant Classification Sherloc (09022015). Collection method: clinical testing. Allele origin: germline.
Comment: For these reasons, this variant has been classified as Pathogenic. Loss-of-function variants in SCN1A are known to be pathogenic (PMID: 17347258, 18930999). This variant is not present in population databases (ExAC no frequency). This sequence change creates a premature translational stop signal (p.Asp1563Alafs*3) in the SCN1A gene. It is expected to result in an absent or disrupted protein product.

Literature cited by the submitters: PubMed 17347258; PubMed 18930999.